The following is an entry in ClinVar:

Conditions:
Breast-ovarian cancer, familial, susceptibility to, 1 (BROVCA1). Also called: BRCA1 Hereditary Breast and Ovarian Cancer; OVARIAN CANCER, SUSCEPTIBILITY TO. Identifiers: Orphanet 145, MedGen C2676676, MONDO:0011450, OMIM 604370. Disease mechanism: loss of function.

Submission:

Brotman Baty Institute, University of Washington
No classification provided (evidence only). Condition: Breast-ovarian cancer, familial 1. Review status: no classification provided. Collection method: in vitro. Allele origin: not applicable. Functional consequence: functionally_normal.
ClinVar note: "not provided" was previously submitted as the classification for the variant. However, the classification appeared to be based only on an observation of functional data so it was converted to no classification on 2025-07-30.

NM_007294.4(BRCA1):c.5552A>G (p.Asp1851Gly)

Gene: BRCA1 (BRCA1 DNA repair associated; minus strand). Cytogenetic location: 17q21.31.
Variant type: single nucleotide variant.
Coding change: c.5552A>G on transcript NM_007294.4 (MANE Select); coding-DNA position 5552, A replaced by G.
Protein change: p.Asp1851Gly; replaces aspartic acid 1851 with glycine.
Molecular consequence: missense variant. On other transcripts: 3 prime UTR variant (1), non-coding transcript variant (1).
Genome position (GRCh38, 1-based): chr17:43,045,718, T>C on the plus strand (A>G on the coding strand, the complement: BRCA1 is on the minus strand). VCF-style: chr17-43045718-T-C. GRCh37 (hg19) VCF-style: chr17-41197735-T-C.
Other names: c.5474A>G, p.Asp1825Gly (NM_001407653.1, NM_001407654.1, NM_001407655.1 and 1 more transcripts); c.5471A>G, p.Asp1824Gly (NM_001407656.1, NM_001407657.1, NM_001407658.1); c.5468A>G, p.Asp1823Gly (NM_001407659.1, NM_001407660.1, NM_001407661.1 and 2 more transcripts); c.5426A>G, p.Asp1809Gly (NM_001407672.1, NM_001407673.1, NM_001407674.1 and 8 more transcripts); c.5423A>G, p.Asp1808Gly (NM_001407681.1, NM_001407682.1, NM_001407683.1 and 6 more transcripts); c.5288A>G, p.Asp1763Gly (NM_001407921.1, NM_001407922.1, NM_001407923.1 and 4 more transcripts); c.5285A>G, p.Asp1762Gly (NM_001407927.1, NM_001407928.1, NM_001407929.1 and 4 more transcripts); c.5282A>G, p.Asp1761Gly (NM_001407934.1, NM_001407935.1, NM_001407936.1); and 74 more; short protein forms D1804G, D1851G, D747G, D1872G, D1554G, D1724G, D1738G, D1767G.
Identifiers: ClinVar variation 868659 (VCV000868659.3), dbSNP rs2050862656, ClinGen allele CA10590216.
Genomic context (GRCh38, chr17:43,045,718, plus strand): 5'-GTACCTGTGGCTGGCTGCAGTCAGTAGTGGCTGTGGGGGATCTGGGGTATCAGGTAGGTG[T>C]CCAGCTCCTGGCACTGGTAGAGTGCTACACTGTCCAACACCCACTCTCGGGTCACCACAG-3'
Protein context (NP_009225.1, residues 1841-1861): SVALYQCQEL[Asp1851Gly]TYLIPQIPHS